The following is an entry in ClinVar:

ClinVar aggregate classification (germline): Uncertain significance (1 of 4 stars; one submission).

Allele frequency attached by ClinVar (database versions not stated): gnomAD exomes 0.00001.

Submission:

Labcorp Genetics (formerly Invitae), Labcorp
Classification: Uncertain significance. Last evaluated: 2022-04-06. Review status: criteria provided, single submitter. Criteria: Invitae Variant Classification Sherloc (09022015). Collection method: clinical testing. Allele origin: germline.
Comment: This sequence change replaces leucine, which is neutral and non-polar, with methionine, which is neutral and non-polar, at codon 494 of the CCDC88A protein (p.Leu494Met). The frequency data for this variant in the population databases is considered unreliable, as metrics indicate poor data quality at this position in the gnomAD database. This variant has not been reported in the literature in individuals affected with CCDC88A-related conditions. Algorithms developed to predict the effect of missense changes on protein structure and function are either unavailable or do not agree on the potential impact of this missense change (SIFT: "Deleterious"; PolyPhen-2: "Benign"; Align-GVGD: "Class C0"). In summary, the available evidence is currently insufficient to determine the role of this variant in disease. Therefore, it has been classified as a Variant of Uncertain Significance.

NM_001365480.1(CCDC88A):c.1480C>A (p.Leu494Met)

Gene: CCDC88A (coiled-coil domain containing 88A; minus strand). Cytogenetic location: 2p16.1.
Variant type: single nucleotide variant.
Coding change: c.1480C>A on transcript NM_001365480.1 (MANE Select); coding-DNA position 1480, C replaced by A.
Protein change: p.Leu494Met; replaces leucine 494 with methionine.
Molecular consequence: missense variant.
Genome position (GRCh38, 1-based): chr2:55,339,502, G>T on the plus strand (C>A on the coding strand, the complement: CCDC88A is on the minus strand). VCF-style: chr2-55339502-G-T. GRCh37 (hg19) VCF-style: chr2-55566638-G-T.
Other names: c.1480C>A, p.Leu494Met (NM_001135597.2, NM_001254943.2, NM_018084.5); short protein forms L494M.
Identifiers: ClinVar variation 2165212 (VCV002165212.2), dbSNP rs1387241117, ClinGen allele CA346903835.